The following is an entry in ClinVar:

ClinVar aggregate classification (germline): Pathogenic. Review status: criteria provided, single submitter (1 of 4 stars). 2 submissions from 2 submitters: Pathogenic (1). 1 of the submissions does not count toward it. Last evaluated 2022-11-02.

Conditions:
NOTCH3-related disorder. Also called: NOTCH3-related disorders; NOTCH3-related condition.

Submissions (2):

Athena Diagnostics
Classification: Pathogenic. Last evaluated: 2022-11-02. Review status: criteria provided, single submitter. Criteria: Athena Diagnostics Criteria. Collection method: clinical testing. Allele origin: unknown.
Comment: This variant has been identified in at least one individual with clinical features associated with CADASIL. This variant has not been reported in large, multi-ethnic general populations. This variant alters a critical location within the protein, and is expected to severely affect function and cause disease. Greater than 90% of NOTCH3 pathogenic variants associated with CADASIL involve the gain or loss of a cysteine residue within the epidermal growth factor (EGF)-like repeat domain (PMID: 32457593, 20301673).

PreventionGenetics, part of Exact Sciences
Classification: Likely pathogenic for NOTCH3-related condition. Last evaluated: 2024-03-05. Review status: no assertion criteria provided. Collection method: clinical testing. Allele origin: germline. Not counted in ClinVar's aggregate classification.
Comment: The NOTCH3 c.3044G>T variant is predicted to result in the amino acid substitution p.Cys1015Phe. To our knowledge, this variant has not been reported in the literature or in a large population database, indicating this variant is rare. Three alternate missense changes at this same amino acid position have been reported in individuals with CADASIL (Mukai et al. 2020. PubMed ID: 32277177; Zhu et al. 2015. PubMed ID: 25973016). Most CADASIL causing variants in the NOTCH3 gene result in the gain or loss of one or more cysteine residues in the extracellular domain of the protein, as seen in this patient. This patient’s variant alters a cysteine residue and is located in the extracellular EGF-like domain 26. Pathogenic variants in EGF-like domains 1-6 appear to be fully penetrant and are usually associated with the classical CADASIL phenotype. However, there is variability in disease severity. Pathogenic variants in EGF-like domains 7-34 have a much higher population frequency, and can predispose to a milder small-vessel disease, possibly even displaying incomplete or at least very late onset complete penetrance (OMIM #125310; Rutten et al. 2016. PubMed ID: 27844030; Rutten et al. 2019. PubMed ID: 30032161). This variant is interpreted as likely pathogenic.

NM_000435.3(NOTCH3):c.3044G>T (p.Cys1015Phe)

Gene: NOTCH3 (notch receptor 3; minus strand). Cytogenetic location: 19p13.12.
Variant type: single nucleotide variant.
Coding change: c.3044G>T on transcript NM_000435.3 (MANE Select); coding-DNA position 3044, G replaced by T.
Protein change: p.Cys1015Phe; replaces cysteine 1015 with phenylalanine.
Molecular consequence: missense variant.
Genome position (GRCh38, 1-based): chr19:15,180,779, C>A on the plus strand (G>T on the coding strand, the complement: NOTCH3 is on the minus strand). VCF-style: chr19-15180779-C-A. GRCh37 (hg19) VCF-style: chr19-15291590-C-A.
Other names: short protein forms C1015F.
Identifiers: ClinVar variation 2684135 (VCV002684135.2), dbSNP rs1555727938, ClinGen allele CA404514319.